The following is an entry in ClinVar:

ClinVar aggregate classification (germline): Likely benign (0 of 4 stars; one submission).

Conditions:
CSNK2B-related disorder. Also called: CSNK2B-related condition.

Allele frequency attached by ClinVar (database versions not stated): gnomAD 0.00002; TOPMed 0.00002; ExAC 0.00003.

Submission:

PreventionGenetics, part of Exact Sciences
Classification: Likely benign for CSNK2B-related condition. Last evaluated: 2019-09-05. Review status: no assertion criteria provided. Collection method: clinical testing. Allele origin: germline.
Comment: This variant is classified as likely benign based on ACMG/AMP sequence variant interpretation guidelines (Richards et al. 2015 PMID: 25741868, with internal and published modifications).

NM_001320.7(CSNK2B):c.252C>T (p.His84=)

Gene: CSNK2B (casein kinase 2 beta; plus strand). Cytogenetic location: 6p21.33.
Variant type: single nucleotide variant.
Coding change: c.252C>T on transcript NM_001320.7 (MANE Select); coding-DNA position 252, C replaced by T.
Protein change: p.His84=; no amino-acid change (histidine 84 retained).
Molecular consequence: synonymous variant.
Genome position (GRCh38, 1-based): chr6:31,668,615, C>T. VCF-style: chr6-31668615-C-T. GRCh37 (hg19) VCF-style: chr6-31636392-C-T.
Other names: c.252C>T, p.His84= (NM_001282385.2).
Identifiers: ClinVar variation 3053440 (VCV003053440.2), dbSNP rs761163913, ClinGen allele CA3718615.